The following is an entry in ClinVar:

ClinVar aggregate classification (germline): Uncertain significance (1 of 4 stars; one submission).

Allele frequency attached by ClinVar (database versions not stated): gnomAD 0.00001.
gnomAD v4.1: 2 of 1,614,064 alleles (0.00012%); highest among the groups gnomAD compares: Admixed American, 0.0017%; no homozygotes.

Submission:

GeneDx
Classification: Uncertain significance. Last evaluated: 2019-10-16. Review status: criteria provided, single submitter. Criteria: GeneDx Variant Classification Process June 2021. Collection method: clinical testing. Allele origin: germline. Affected: yes.
Comment: Has not been previously published as pathogenic or benign to our knowledge; Not observed in large population cohorts (Lek et al., 2016); In silico analysis, which includes protein predictors and evolutionary conservation, supports that this variant does not alter protein structure/function

NM_001348323.3(TRIP12):c.3410T>C (p.Ile1137Thr)

Gene: TRIP12 (thyroid hormone receptor interactor 12; minus strand). Cytogenetic location: 2q36.3.
Variant type: single nucleotide variant.
Coding change: c.3410T>C on transcript NM_001348323.3 (MANE Select); coding-DNA position 3410, T replaced by C.
Protein change: p.Ile1137Thr; replaces isoleucine 1137 with threonine.
Molecular consequence: missense variant.
Genome position (GRCh38, 1-based): chr2:229,798,947, A>G on the plus strand (T>C on the coding strand, the complement: TRIP12 is on the minus strand). VCF-style: chr2-229798947-A-G. GRCh37 (hg19) VCF-style: chr2-230663663-A-G.
Other names: c.3329T>C, p.Ile1110Thr (NM_001284214.2, NM_001348315.2); c.3284T>C, p.Ile1095Thr (NM_001284215.2, NM_001348316.2, NM_001348317.1 and 1 more transcripts); c.2375T>C, p.Ile792Thr (NM_001284216.2); c.3410T>C, p.Ile1137Thr (NM_001348319.1, NM_001348320.2, NM_001348322.1 and 4 more transcripts); c.3413T>C, p.Ile1138Thr (NM_001348321.1, NM_001348328.1, NM_001348329.2 and 1 more transcripts); c.3203T>C, p.Ile1068Thr (NM_001348331.1); c.3323T>C, p.Ile1108Thr (NM_001348332.1); c.3332T>C, p.Ile1111Thr (NM_001348333.1); and 1 more; short protein forms I1062T, I1068T, I1095T, I1108T, I1110T, I1111T, I1137T, I1138T.
Identifiers: ClinVar variation 1309166 (VCV001309166.2), dbSNP rs1231934651, ClinGen allele CA350907099.